The following is an entry in ClinVar:

ClinVar aggregate classification (germline): Uncertain significance. Review status: criteria provided, multiple submitters, no conflicts (2 of 4 stars). 3 submissions from 3 submitters: Uncertain significance (3). Last evaluated 2024-03-01.

Conditions:
Inborn genetic diseases. Identifiers: MedGen C0950123, MeSH D030342.

Allele frequency attached by ClinVar (database versions not stated): gnomAD exomes 0.00001; ExAC 0.00002; gnomAD 0.00005; ESP Exome Variant Server 0.00008; TOPMed 0.00008.
gnomAD v4.1: 12 of 1,613,766 alleles (0.00074%); highest among the groups gnomAD compares: African/African-American, 0.013%; no homozygotes.

Submissions (3):

Ambry Genetics
Classification: Uncertain significance for Inborn genetic diseases. Last evaluated: 2024-03-01. Review status: criteria provided, single submitter. Criteria: Ambry Variant Classification Scheme 2023. Collection method: clinical testing. Allele origin: germline.

Blueprint Genetics
Classification: Uncertain significance. Last evaluated: 2022-05-12. Review status: criteria provided, single submitter. Criteria: ACMG Guidelines, 2015. Collection method: clinical testing. Allele origin: germline.

Labcorp Genetics (formerly Invitae), Labcorp
Classification: Uncertain significance. Last evaluated: 2022-03-26. Review status: criteria provided, single submitter. Criteria: Invitae Variant Classification Sherloc (09022015). Collection method: clinical testing. Allele origin: germline.
Comment: This sequence change replaces threonine, which is neutral and polar, with alanine, which is neutral and non-polar, at codon 1949 of the USH2A protein (p.Thr1949Ala). This variant is present in population databases (rs371702422, gnomAD 0.03%). This variant has not been reported in the literature in individuals affected with USH2A-related conditions. Algorithms developed to predict the effect of missense changes on protein structure and function are either unavailable or do not agree on the potential impact of this missense change (SIFT: "Deleterious"; PolyPhen-2: "Benign"; Align-GVGD: "Class C55"). In summary, the available evidence is currently insufficient to determine the role of this variant in disease. Therefore, it has been classified as a Variant of Uncertain Significance.

NM_206933.4(USH2A):c.5845A>G (p.Thr1949Ala)

Genes: USH2A (usherin; minus strand), USH2A-AS2 (USH2A antisense RNA 2; plus strand). Cytogenetic location: 1q41.
Variant type: single nucleotide variant.
Coding change: c.5845A>G on transcript NM_206933.4 (MANE Select); coding-DNA position 5845, A replaced by G.
Protein change: p.Thr1949Ala; replaces threonine 1949 with alanine.
Molecular consequence: missense variant.
Genome position (GRCh38, 1-based): chr1:216,072,901, T>C on the plus strand (A>G on the coding strand, the complement: USH2A is on the minus strand). VCF-style: chr1-216072901-T-C. GRCh37 (hg19) VCF-style: chr1-216246243-T-C.
Other names: c.5845A>G (NM_206933.2); short protein forms T1949A.
Identifiers: ClinVar variation 2201955 (VCV002201955.3), dbSNP rs371702422, ClinGen allele CA1395338.
Genomic context (GRCh38, chr1:216,072,901, plus strand): 5'-ACATGCATGTGTGTGTGTGCACATATGCATTTGAAGATAAGTATTTACCTGCTCCTGTTG[T>C]ACGTCCTCGACTCCAATCACTATATACTGAACCTCCTTCATGCGAGGCTATCACTCGATA-3'
Protein context (NP_996816.3, residues 1939-1959): SVYSDWSRGR[Thr1949Ala]TGAAPQSVPT